The following is an entry in ClinVar:

NM_000135.4(FANCA):c.1906G>T (p.Ala636Ser)

Gene: FANCA (FA complementation group A; minus strand). Cytogenetic location: 16q24.3.
Variant type: single nucleotide variant.
Coding change: c.1906G>T on transcript NM_000135.4 (MANE Select); coding-DNA position 1906, G replaced by T.
Protein change: p.Ala636Ser; replaces alanine 636 with serine.
Molecular consequence: missense variant.
Genome position (GRCh38, 1-based): chr16:89,773,379, C>A on the plus strand (G>T on the coding strand, the complement: FANCA is on the minus strand). VCF-style: chr16-89773379-C-A. GRCh37 (hg19) VCF-style: chr16-89839787-C-A.
Other names: c.1906G>T, p.Ala636Ser (NM_001286167.3); short protein forms A636S.
Identifiers: ClinVar variation 3848066 (VCV003848066.1).

ClinVar aggregate classification (germline): Uncertain significance (1 of 4 stars; one submission).

Conditions:
Inborn genetic diseases. Identifiers: MedGen C0950123, MeSH D030342.

gnomAD v4.1: 2 of 1,549,988 alleles (0.00013%); highest among the groups gnomAD compares: Non-Finnish European, 0.00017%; no homozygotes.

Submission:

Ambry Genetics
Classification: Uncertain significance for Inborn genetic diseases. Last evaluated: 2024-12-29. Review status: criteria provided, single submitter. Criteria: Ambry Variant Classification Scheme 2023. Collection method: clinical testing. Allele origin: germline.
Comment: The p.A636S variant (also known as c.1906G>T), located in coding exon 22 of the FANCA gene, results from a G to T substitution at nucleotide position 1906. The alanine at codon 636 is replaced by serine, an amino acid with similar properties. This amino acid position is conserved. In addition, this alteration is predicted to be tolerated by in silico analysis. Based on the available evidence, the clinical significance of this variant remains unclear.